The following is an entry in ClinVar:

NM_014363.6(SACS):c.1569_1570delinsCTGTCTCTTATACACA (p.Phe524fs)

Gene: SACS (sacsin molecular chaperone; minus strand). Cytogenetic location: 13q12.12.
Variant type: Indel.
Coding change: c.1569_1570delinsCTGTCTCTTATACACA on transcript NM_014363.6 (MANE Select); coding-DNA positions 1569 to 1570, TT replaced by CTGTCTCTTATACACA.
Protein change: p.Phe524fs; shifts the reading frame from phenylalanine 524.
Molecular consequence: frameshift variant.
Genome position (GRCh38, 1-based): chr13:23,355,042-23,355,043, AA replaced by TGTGTATAAGAGACAG on the plus strand (TT replaced by CTGTCTCTTATACACA on the coding strand, the reverse complement: SACS is on the minus strand). VCF-style: chr13-23355042-AA-TGTGTATAAGAGACAG. GRCh37 (hg19) VCF-style: chr13-23929181-AA-TGTGTATAAGAGACAG.
Other names: c.1128_1129delinsCTGTCTCTTATACACA, p.Phe377fs (NM_001278055.2); short protein forms F377fs, F524fs.
Identifiers: ClinVar variation 1726247 (VCV001726247.2), dbSNP rs2542395317, ClinGen allele CA2580086857.

ClinVar aggregate classification (germline): Likely pathogenic (1 of 4 stars; one submission).

Conditions:
Charlevoix-Saguenay spastic ataxia (SACS). Also called: SPASTIC ATAXIA 6, AUTOSOMAL RECESSIVE; AUTOSOMAL RECESSIVE SPASTIC ATAXIA OF CHARLEVOIX-SAGUENAY; Spastic ataxia of Charlevoix-Saguenay. Identifiers: Orphanet 98, MedGen C1849140, MONDO:0010041, OMIM 270550.

Submission:

Myriad Genetics, Inc.
Classification: Likely pathogenic for Charlevoix-Saguenay spastic ataxia. Last evaluated: 2022-05-30. Review status: criteria provided, single submitter. Criteria: Myriad Women's Health Autosomal Recessive and X-Linked Classification Criteria (2021). Collection method: clinical testing. Allele origin: unknown.
Comment: NM_014363.4(SACS):c.1569_1570del2ins16(F524Cfs*31) is expected to be pathogenic in the context of autosomal recessive spastic ataxia of Charlevoix-Saguenay. This variant is predicted to lead to an abnormal or absent protein product due to the creation of a premature termination codon in SACS, a gene where loss-of-function variants are known to be pathogenic. Please note: this variant was assessed in the context of healthy population screening.